The following is an entry in ClinVar:

NM_001127208.3(TET2):c.5449C>A (p.His1817Asn)

Genes: TET2 (tet methylcytosine dioxygenase 2; plus strand), TET2-AS1 (TET2 antisense RNA 1; minus strand). Cytogenetic location: 4q24.
Variant type: single nucleotide variant.
Coding change: c.5449C>A on transcript NM_001127208.3 (MANE Select); coding-DNA position 5449, C replaced by A.
Protein change: p.His1817Asn; replaces histidine 1817 with asparagine.
Molecular consequence: missense variant.
Genome position (GRCh38, 1-based): chr4:105,275,959, C>A. VCF-style: chr4-105275959-C-A. GRCh37 (hg19) VCF-style: chr4-106197116-C-A.
Other names: c.5449C>A (NM_001127208.2); short protein forms H1817N.
Identifiers: ClinVar variation 135293 (VCV000135293.7), dbSNP rs141442603, ClinGen allele CA162246.

ClinVar aggregate classification (germline): Benign/Likely benign. Review status: criteria provided, multiple submitters, no conflicts (2 of 4 stars). 3 submissions from 3 submitters: Benign (1); Likely benign (1). 1 of the submissions does not count toward it. Last evaluated 2026-01-07.

Conditions:
TET2-related disorder. Also called: TET2-related condition.

Allele frequency attached by ClinVar (database versions not stated): gnomAD exomes 0.00024 and 0.00041; ExAC 0.00091; gnomAD 0.00208 and 0.00218; ESP Exome Variant Server 0.00219; TOPMed 0.00225; 1000 Genomes Project 0.00339; 1000 Genomes Project 30x 0.00344.
gnomAD v4.1: 660 of 1,551,812 alleles (0.043%); highest among the groups gnomAD compares: African/African-American, 0.76%; 3 homozygotes.

Submissions (3):

Labcorp Genetics (formerly Invitae), Labcorp
Classification: Benign. Last evaluated: 2026-01-07. Review status: criteria provided, single submitter. Criteria: Invitae Variant Classification Sherloc (09022015). Collection method: clinical testing. Allele origin: germline.

PreventionGenetics, part of Exact Sciences
Classification: Likely benign for TET2-related condition. Last evaluated: 2025-09-26. Review status: criteria provided, single submitter. Criteria: ACMG Guidelines, 2015. Collection method: clinical testing. Allele origin: germline.
Comment: This variant is classified as likely benign based on ACMG/AMP sequence variant interpretation guidelines (Richards et al. 2015 PMID: 25741868, with internal and published modifications).

ITMI
No classification provided. Condition: AllHighlyPenetrant. Last evaluated: 2013-09-19. Review status: no classification provided. Collection method: reference population. Allele origin: germline. Not counted in ClinVar's aggregate classification.
Comment: Please see associated publication for description of ethnicities

Literature cited by the submitters: PubMed 24728327 (cited by ITMI).